The following is an entry in ClinVar:

NM_004415.4(DSP):c.441G>C (p.Glu147Asp)

Gene: DSP (desmoplakin; plus strand). Cytogenetic location: 6p24.3.
Variant type: single nucleotide variant.
Coding change: c.441G>C on transcript NM_004415.4 (MANE Select); coding-DNA position 441, G replaced by C.
Protein change: p.Glu147Asp; replaces glutamic acid 147 with aspartic acid.
Molecular consequence: missense variant.
Genome position (GRCh38, 1-based): chr6:7,559,244, G>C. VCF-style: chr6-7559244-G-C. GRCh37 (hg19) VCF-style: chr6-7559477-G-C.
Other names: c.441G>C, p.Glu147Asp (NM_001008844.3, NM_001319034.2, NM_001406591.1); short protein forms E147D.
Identifiers: ClinVar variation 2941464 (VCV002941464.4), dbSNP rs776076628, ClinGen allele CA362672061.

ClinVar aggregate classification (germline): Uncertain significance. Review status: criteria provided, multiple submitters, no conflicts (2 of 4 stars). 2 submissions from 2 submitters: Uncertain significance (2). Last evaluated 2023-10-28.

Conditions:
Arrhythmogenic cardiomyopathy with wooly hair and keratoderma. Also called: PALMOPLANTAR KERATODERMA WITH LEFT VENTRICULAR CARDIOMYOPATHY AND WOOLLY HAIR; Carvajal syndrome; Dilated cardiomyopathy with woolly hair and keratoderma; Arrhythmogenic cardiomyopathy with woolly hair and keratoderma. Identifiers: Orphanet 65282, MedGen C1854063, MONDO:0011581, OMIM 605676.
Arrhythmogenic right ventricular dysplasia 8 (ARVD8). Also called: Arrhythmogenic Right Ventricular Dysplasia/Cardiomyopathy 8; ARRHYTHMOGENIC RIGHT VENTRICULAR DYSPLASIA, FAMILIAL, 8; ARRHYTHMOGENIC RIGHT VENTRICULAR CARDIOMYOPATHY 8. Identifiers: MedGen C1843896, MONDO:0011831, OMIM 607450.

Submissions (2):

Labcorp Genetics (formerly Invitae), Labcorp
Classification: Uncertain significance for Arrhythmogenic cardiomyopathy with wooly hair and keratoderma; Arrhythmogenic right ventricular dysplasia 8. Last evaluated: 2023-10-28. Review status: criteria provided, single submitter. Criteria: Invitae Variant Classification Sherloc (09022015). Collection method: clinical testing. Allele origin: germline.
Comment: This sequence change replaces glutamic acid, which is acidic and polar, with aspartic acid, which is acidic and polar, at codon 147 of the DSP protein (p.Glu147Asp). This variant is not present in population databases (gnomAD no frequency). This variant has not been reported in the literature in individuals affected with DSP-related conditions. An algorithm developed to predict the effect of missense changes on protein structure and function (PolyPhen-2) suggests that this variant is likely to be tolerated. In summary, the available evidence is currently insufficient to determine the role of this variant in disease. Therefore, it has been classified as a Variant of Uncertain Significance.

GeneDx
Classification: Uncertain significance. Last evaluated: 2023-06-01. Review status: criteria provided, single submitter. Criteria: GeneDx Variant Classification Process June 2021. Collection method: clinical testing. Allele origin: germline. Affected: yes.
Comment: Not observed at significant frequency in large population cohorts (gnomAD); In silico analysis supports that this missense variant does not alter protein structure/function; Has not been previously published as pathogenic or benign to our knowledge